The following is an entry in ClinVar:

NC_012920.1(MT-TE):m.14696A>C

Gene: MT-TE (mitochondrially encoded tRNA glutamic acid; minus strand).
Variant type: single nucleotide variant.
Genome position: chrM-14696-A-C.
Identifiers: ClinVar variation 690206 (VCV000690206.1), dbSNP rs1556424481, ClinGen allele CA913171838.

ClinVar aggregate classification (germline): Benign (1 of 4 stars; one submission).

Conditions:
MELAS syndrome (MELAS). Also called: Juvenile myopathy, encephalopathy, lactic acidosis, stroke. Identifiers: Orphanet 550, MedGen C0162671, MONDO:0010789, OMIM 540000.

Submission:

Wong Mito Lab, Molecular and Human Genetics, Baylor College of Medicine
Classification: Benign for MELAS syndrome. Last evaluated: 2019-07-12. Review status: criteria provided, single submitter. Criteria: Modified ACMG Guidelines (Unpublished). Collection method: clinical testing. Allele origin: germline.
Comment: The NC_012920.1:m.14696A>C variant in MT-TE gene is interpreted to be a Benign variant based on the modified ACMG guidelines (unpublished). This variant meets the following evidence codes reported in the guidelines: BS1, BS2

Literature cited by the submitters: PubMed 31965079.